The following is an entry in ClinVar:

ClinVar aggregate classification (germline): Pathogenic (1 of 4 stars; one submission).

Conditions:
Osteogenesis imperfecta type I (OI1). Also called: OI, TYPE I; OSTEOGENESIS IMPERFECTA TARDA; OSTEOGENESIS IMPERFECTA WITH BLUE SCLERAE; Osteogenesis imperfecta type 1; Classic Non-deforming Osteogenesis Imperfecta with Blue Sclerae; Lobstein's Disease. Identifiers: Orphanet 216796, Orphanet 666, MedGen C0023931, MONDO:0008146, OMIM 166200. Disease mechanism: loss of function.

Submission:

Labcorp Genetics (formerly Invitae), Labcorp
Classification: Pathogenic for Osteogenesis imperfecta type I. Last evaluated: 2025-02-10. Review status: criteria provided, single submitter. Criteria: Invitae Variant Classification Sherloc (09022015). Collection method: clinical testing. Allele origin: germline.
Comment: This sequence change creates a premature translational stop signal (p.Ala699Glyfs*11) in the COL1A1 gene. It is expected to result in an absent or disrupted protein product. Loss-of-function variants in COL1A1 are known to be pathogenic (PMID: 7942841, 9295084, 9443882). This variant is not present in population databases (gnomAD no frequency). This variant has not been reported in the literature in individuals affected with COL1A1-related conditions. For these reasons, this variant has been classified as Pathogenic.

Literature cited by the submitters: PubMed 7942841; PubMed 9295084; PubMed 9443882.

NM_000088.4(COL1A1):c.2095dup (p.Ala699fs)

Gene: COL1A1 (collagen type I alpha 1 chain; minus strand). Cytogenetic location: 17q21.33.
Variant type: Duplication.
Coding change: c.2095dup on transcript NM_000088.4 (MANE Select); coding-DNA position 2095, one base duplicated (G; older notation c.2095dupG).
Protein change: p.Ala699fs; shifts the reading frame from alanine 699.
Molecular consequence: frameshift variant.
Genome position (GRCh38, 1-based): chr17:50,191,820, C duplicated on the plus strand (G on the coding strand, the reverse complement: COL1A1 is on the minus strand); the first of 4 consecutive C bases (chr17:50,191,820-50,191,823); duplicating any one gives the same sequence. VCF-style (leftmost placement, unchanged base first): chr17-50191819-G-GC. GRCh37 (hg19) VCF-style: chr17-48269180-G-GC.
Other names: short protein forms A699fs.
Identifiers: ClinVar variation 4712704 (VCV004712704.1).